The following is an entry in ClinVar:

ClinVar aggregate classification (germline): Conflicting classifications of pathogenicity. Review status: criteria provided, conflicting classifications (1 of 4 stars). 4 submissions from 4 submitters: Likely pathogenic (3); Uncertain significance (1). Last evaluated 2024-11-11.

Conditions:
COL1A1-related disorder. Also called: COL1A1- related disease; COL1A1-related condition.
Osteogenesis imperfecta type I (OI1). Also called: Lobstein disease; OI, TYPE I; OSTEOGENESIS IMPERFECTA TARDA; OSTEOGENESIS IMPERFECTA WITH BLUE SCLERAE; Classic Non-deforming Osteogenesis Imperfecta with Blue Sclerae; Osteogenesis imperfecta type 1. Identifiers: Orphanet 216796, Orphanet 666, MedGen C0023931, MONDO:0008146, OMIM 166200. Disease mechanism: loss of function.

Submissions (4):

Labcorp Genetics (formerly Invitae), Labcorp
Classification: Likely pathogenic for Osteogenesis imperfecta type I. Last evaluated: 2024-11-11. Review status: criteria provided, single submitter. Criteria: Invitae Variant Classification Sherloc (09022015). Collection method: clinical testing. Allele origin: germline.
Comment: This variant, c.206_208del, results in the deletion of 1 amino acid(s) of the COL1A1 protein (p.Leu69del), but otherwise preserves the integrity of the reading frame. This variant is not present in population databases (gnomAD no frequency). This variant has been observed in individual(s) with clinical features of osteogenesis imperfecta (PMID: 31568717, 37076969). In at least one individual the variant was observed to be de novo. Studies have shown that this variant alters COL1A1 gene expression (PMID: 31568717). In summary, the currently available evidence indicates that the variant is pathogenic, but additional data are needed to prove that conclusively. Therefore, this variant has been classified as Likely Pathogenic.

Revvity Omics, Revvity
Classification: Likely pathogenic. Last evaluated: 2023-12-27. Review status: criteria provided, single submitter. Criteria: ACMG Guidelines, 2015. Collection method: clinical testing. Allele origin: germline.

Blueprint Genetics
Classification: Likely pathogenic for COL1A1-related disorders. Last evaluated: 2021-06-23. Review status: criteria provided, single submitter. Criteria: ACMG Guidelines, 2015. Collection method: clinical testing. Allele origin: germline. Affected: yes. Observed: 1 variant allele.

ARUP Laboratories, Molecular Genetics and Genomics, ARUP Laboratories
Classification: Uncertain significance. Last evaluated: 2018-08-06. Review status: criteria provided, single submitter. Criteria: ARUP Molecular Germline Variant Investigation Process. Collection method: clinical testing. Allele origin: germline.
Comment: The COL1A1 c.206_208delTGT; p.Leu69del variant, to our knowledge, is not reported in the medical literature or gene specific databases. This variant is also absent from general population databases (1000 Genomes Project, Exome Variant Server, and Genome Aggregation Database), indicating it is not a common polymorphism. This variant deletes a single leucine residue, leaving the rest of the protein in-frame. The equivalent leucine in the paralogous protein COL2A1 is involved in an interaction between COL2A1 and bone morphogenetic protein-2 (BMP-2); however, it is unclear if this interaction is functionally relevant in COL1A1 (Xu 2017). Computational analyses (Alamut v.2.11) predict that the COL1A1 c.206_208delTGT variant may impact splicing by creating a novel cryptic donor splice site, though mRNA studies would be required to confirm this. Given the lack of clinical and functional data, the significance of the c.206_208delTGT; p.Leu69del variant is uncertain at this time. References: Xu ER et al. Structural analyses of von Willebrand factor C domains of collagen 2A and CCN3 reveal an alternative mode of binding to bone morphogenetic protein-2. J Biol Chem. 2017 Jul 28;292(30):12516-12527.

Literature cited by the submitters: PubMed 31568717 (cited by Labcorp Genetics (formerly Invitae), Labcorp); PubMed 37076969 (cited by Labcorp Genetics (formerly Invitae), Labcorp).

NM_000088.4(COL1A1):c.203TGT[1] (p.Leu69del)

Gene: COL1A1 (collagen type I alpha 1 chain; minus strand). Cytogenetic location: 17q21.33.
Variant type: Microsatellite.
Coding change: c.203TGT[1] on transcript NM_000088.4 (MANE Select); one copy of the 3-base unit TGT starting at c.203; the reference has two copies in a row; one copy, 3 bases deleted; also written c.206_208del.
Protein change: p.Leu69del; deletes leucine 69.
Molecular consequence: inframe deletion.
Genome position (GRCh38, 1-based): chr17:50,199,843-50,199,845, ACA deleted on the plus strand (TGT on the coding strand, the reverse complement: COL1A1 is on the minus strand); deleting any 3 consecutive bases within chr17:50,199,843-50,199,848 gives the same sequence; the position shown is the placement nearest the transcript's 3' end. VCF-style (leftmost placement, unchanged base first): chr17-50199842-CACA-C. GRCh37 (hg19) VCF-style: chr17-48277203-CACA-C.
Other names: c.206_208del (NM_000088.3); short protein forms L69del.
Identifiers: ClinVar variation 811092 (VCV000811092.12), dbSNP rs1598302040, ClinGen allele CA915950627.